The following is an entry in ClinVar:

ClinVar aggregate classification (germline): Uncertain significance (1 of 4 stars; one submission).

gnomAD v4.1: 7 of 1,202,901 alleles (0.00058%); highest among the groups gnomAD compares: Non-Finnish European, 0.00078%; no homozygotes.

Submission:

Labcorp Genetics (formerly Invitae), Labcorp
Classification: Uncertain significance. Last evaluated: 2024-02-13. Review status: criteria provided, single submitter. Criteria: Invitae Variant Classification Sherloc (09022015). Collection method: clinical testing. Allele origin: germline.
Comment: This sequence change replaces lysine, which is basic and polar, with arginine, which is basic and polar, at codon 787 of the DRP2 protein (p.Lys787Arg). This variant is not present in population databases (gnomAD no frequency). This variant has not been reported in the literature in individuals affected with DRP2-related conditions. An algorithm developed to predict the effect of missense changes on protein structure and function (PolyPhen-2) suggests that this variant is likely to be tolerated. In summary, the available evidence is currently insufficient to determine the role of this variant in disease. Therefore, it has been classified as a Variant of Uncertain Significance.

NM_001939.3(DRP2):c.2360A>G (p.Lys787Arg)

Gene: DRP2 (dystrophin related protein 2; plus strand). Cytogenetic location: Xq22.1.
Variant type: single nucleotide variant.
Coding change: c.2360A>G on transcript NM_001939.3 (MANE Select); coding-DNA position 2360, A replaced by G.
Protein change: p.Lys787Arg; replaces lysine 787 with arginine.
Molecular consequence: missense variant.
Genome position (GRCh38, 1-based): chrX:101,256,231, A>G. VCF-style: chrX-101256231-A-G. GRCh37 (hg19) VCF-style: chrX-100511220-A-G.
Other names: c.2126A>G, p.Lys709Arg (NM_001171184.2); short protein forms K709R, K787R.
Identifiers: ClinVar variation 3640280 (VCV003640280.2).